The following is an entry in ClinVar:

NM_001276270.2(MBD4):c.1232A>G (p.Tyr411Cys)

Gene: MBD4 (methyl-CpG binding domain 4, DNA glycosylase; minus strand). Cytogenetic location: 3q21.3.
Variant type: single nucleotide variant.
Coding change: c.1232A>G on transcript NM_001276270.2 (MANE Select); coding-DNA position 1232, A replaced by G.
Protein change: p.Tyr411Cys; replaces tyrosine 411 with cysteine.
Molecular consequence: missense variant.
Genome position (GRCh38, 1-based): chr3:129,434,088, T>C on the plus strand (A>G on the coding strand, the complement: MBD4 is on the minus strand). VCF-style: chr3-129434088-T-C. GRCh37 (hg19) VCF-style: chr3-129152931-T-C.
Other names: c.1250A>G, p.Tyr417Cys (NM_001276271.2, NM_001276272.2, NM_003925.3); c.296A>G, p.Tyr99Cys (NM_001276273.2); short protein forms Y411C, Y417C, Y99C.
Identifiers: ClinVar variation 3671246 (VCV003671246.3).

ClinVar aggregate classification (germline): Uncertain significance. Review status: criteria provided, multiple submitters, no conflicts (2 of 4 stars). 2 submissions from 2 submitters: Uncertain significance (2). Last evaluated 2025-04-18.

Conditions:
Inborn genetic diseases. Identifiers: MedGen C0950123, MeSH D030342.

Submissions (2):

Ambry Genetics
Classification: Uncertain significance for Inborn genetic diseases. Last evaluated: 2025-04-18. Review status: criteria provided, single submitter. Criteria: Ambry Variant Classification Scheme 2023. Collection method: clinical testing. Allele origin: germline.
Comment: The p.Y411C variant (also known as c.1232A>G), located in coding exon 4 of the MBD4 gene, results from an A to G substitution at nucleotide position 1232. The tyrosine at codon 411 is replaced by cysteine, an amino acid with highly dissimilar properties. This amino acid position is conserved. In addition, this alteration is predicted to be deleterious by in silico analysis. Based on the available evidence, the clinical significance of this variant remains unclear.

Labcorp Genetics (formerly Invitae), Labcorp
Classification: Uncertain significance. Last evaluated: 2024-12-04. Review status: criteria provided, single submitter. Criteria: Invitae Variant Classification Sherloc (09022015). Collection method: clinical testing. Allele origin: germline.
Comment: This sequence change replaces tyrosine, which is neutral and polar, with cysteine, which is neutral and slightly polar, at codon 417 of the MBD4 protein (p.Tyr417Cys). This variant is not present in population databases (gnomAD no frequency). This variant has not been reported in the literature in individuals affected with MBD4-related conditions. An algorithm developed to predict the effect of missense changes on protein structure and function (PolyPhen-2) suggests that this variant is likely to be tolerated. In summary, the available evidence is currently insufficient to determine the role of this variant in disease. Therefore, it has been classified as a Variant of Uncertain Significance.